The following is an entry in ClinVar:

ClinVar aggregate classification (germline): Uncertain significance (1 of 4 stars; one submission).

Conditions:
Charcot-Marie-Tooth disease type 2. Also called: Charcot-Marie-Tooth type 2. Identifiers: Orphanet 64746, MedGen C0270914, MONDO:0018993.

Submission:

Labcorp Genetics (formerly Invitae), Labcorp
Classification: Uncertain significance for Charcot-Marie-Tooth disease type 2. Last evaluated: 2021-04-05. Review status: criteria provided, single submitter. Criteria: Invitae Variant Classification Sherloc (09022015). Collection method: clinical testing. Allele origin: germline.
Comment: This sequence change results in a frameshift in the MED25 gene (p.Ser531Argfs*). While this is not anticipated to result in nonsense mediated decay, it is expected to disrupt the last 217 amino acid(s) of the MED25 protein and extend the protein by an uncertain number of additional amino acid residues. This variant is not present in population databases (ExAC no frequency). This variant has not been reported in the literature in individuals with MED25-related conditions. In summary, the available evidence is currently insufficient to determine the role of this variant in disease. Therefore, it has been classified as a Variant of Uncertain Significance.

NM_030973.4(MED25):c.1590_1603del (p.Ser531fs)

Gene: MED25 (mediator complex subunit 25; plus strand). Cytogenetic location: 19q13.33.
Variant type: Deletion.
Coding change: c.1590_1603del on transcript NM_030973.4 (MANE Select); coding-DNA positions 1590 to 1603, 14 bases deleted (GAGCGGCTTCGTCA).
Protein change: p.Ser531fs; shifts the reading frame from serine 531.
Molecular consequence: frameshift variant.
Genome position (GRCh38, 1-based): chr19:49,835,093-49,835,106, GAGCGGCTTCGTCA deleted; deleting any 14 consecutive bases within chr19:49,835,091-49,835,106 gives the same sequence; the c. name uses the placement nearest the transcript's 3' end. VCF-style (leftmost placement, unchanged base first): chr19-49835090-CCAGAGCGGCTTCGT-C. GRCh37 (hg19) VCF-style: chr19-50338347-CCAGAGCGGCTTCGT-C.
Other names: c.1590_1603del, p.Ser531fs (NM_001378355.1); short protein forms S531fs.
Identifiers: ClinVar variation 1411372 (VCV001411372.6), dbSNP rs1239980123, ClinGen allele CA883140565.